The following is an entry in ClinVar:

ClinVar aggregate classification (germline): Uncertain significance. Review status: criteria provided, multiple submitters, no conflicts (2 of 4 stars). 4 submissions from 4 submitters: Uncertain significance (4). Last evaluated 2023-12-20.

Conditions:
Inborn genetic diseases. Identifiers: MedGen C0950123, MeSH D030342.
Leukocyte adhesion deficiency 1 (LAD1). Also called: LEUKOCYTE ADHESION DEFICIENCY, TYPE I; LAD 1; Lymphocyte function-associated antigen 1 immunodeficiency; LFA 1 immunodeficiency. Identifiers: Orphanet 2968, Orphanet 99842, MedGen C0398738, MONDO:0007293, OMIM 116920.

Allele frequency attached by ClinVar (database versions not stated): gnomAD 0.00001 and 0.00002; gnomAD exomes 0.00002; TOPMed 0.00002; ExAC 0.00003; ESP Exome Variant Server 0.00008.
gnomAD v4.1: 39 of 1,613,994 alleles (0.0024%); highest among the groups gnomAD compares: East Asian, 0.0067%; no homozygotes.

Submissions (4):

Ambry Genetics
Classification: Uncertain significance for Inborn genetic diseases. Last evaluated: 2023-12-20. Review status: criteria provided, single submitter. Criteria: Ambry Variant Classification Scheme 2023. Collection method: clinical testing. Allele origin: germline.

Labcorp Genetics (formerly Invitae), Labcorp
Classification: Uncertain significance for Leukocyte adhesion deficiency 1. Last evaluated: 2023-08-22. Review status: criteria provided, single submitter. Criteria: Invitae Variant Classification Sherloc (09022015). Collection method: clinical testing. Allele origin: germline.
Comment: This sequence change replaces serine, which is neutral and polar, with leucine, which is neutral and non-polar, at codon 39 of the ITGB2 protein (p.Ser39Leu). This variant is present in population databases (rs368899902, gnomAD 0.008%). This variant has not been reported in the literature in individuals affected with ITGB2-related conditions. ClinVar contains an entry for this variant (Variation ID: 568059). Algorithms developed to predict the effect of missense changes on protein structure and function output the following: SIFT: "Not Available"; PolyPhen-2: "Probably Damaging"; Align-GVGD: "Not Available". The leucine amino acid residue is found in multiple mammalian species, which suggests that this missense change does not adversely affect protein function. In summary, the available evidence is currently insufficient to determine the role of this variant in disease. Therefore, it has been classified as a Variant of Uncertain Significance.

Blueprint Genetics
Classification: Uncertain significance. Last evaluated: 2022-04-22. Review status: criteria provided, single submitter. Criteria: ACMG Guidelines, 2015. Collection method: clinical testing. Allele origin: germline.

Illumina Laboratory Services, Illumina
Classification: Uncertain significance for Leukocyte adhesion deficiency 1. Last evaluated: 2018-01-13. Review status: criteria provided, single submitter. Criteria: ICSL Variant Classification Criteria 13 December 2019. Collection method: clinical testing. Allele origin: germline.

NM_000211.5(ITGB2):c.116C>T (p.Ser39Leu)

Gene: ITGB2 (integrin subunit beta 2; minus strand). Cytogenetic location: 21q22.3.
Variant type: single nucleotide variant.
Coding change: c.116C>T on transcript NM_000211.5 (MANE Select); coding-DNA position 116, C replaced by T.
Protein change: p.Ser39Leu; replaces serine 39 with leucine.
Molecular consequence: missense variant. On other transcripts: 5 prime UTR variant (1).
Genome position (GRCh38, 1-based): chr21:44,910,315, G>A on the plus strand (C>T on the coding strand, the complement: ITGB2 is on the minus strand). VCF-style: chr21-44910315-G-A. GRCh37 (hg19) VCF-style: chr21-46330230-G-A.
Other names: c.116C>T, p.Ser39Leu (NM_001127491.3); c.-92C>T (NM_001303238.2); short protein forms S39L.
Identifiers: ClinVar variation 568059 (VCV000568059.10), dbSNP rs368899902, ClinGen allele CA10063395.